The following is an entry in ClinVar:

NM_001348716.2(KDM6B):c.4787dup (p.Asn1596fs)

Gene: KDM6B (lysine demethylase 6B; plus strand). Cytogenetic location: 17p13.1.
Variant type: Duplication.
Coding change: c.4787dup on transcript NM_001348716.2 (MANE Select); coding-DNA position 4787, one base duplicated (A; older notation c.4787dupA).
Protein change: p.Asn1596fs; shifts the reading frame from asparagine 1596.
Molecular consequence: frameshift variant.
Genome position (GRCh38, 1-based): chr17:7,853,259, A duplicated; the last of 2 consecutive A bases (chr17:7,853,258-7,853,259); duplicating either gives the same sequence. VCF-style (leftmost placement, unchanged base first): chr17-7853257-C-CA. GRCh37 (hg19) VCF-style: chr17-7756575-C-CA.
Other names: c.4787dup, p.Asn1596fs (NM_001080424.2); short protein forms N1596fs.
Identifiers: ClinVar variation 1343047 (VCV001343047.2), dbSNP rs2151380360, ClinGen allele CA2573054595.

ClinVar aggregate classification (germline): Uncertain significance (1 of 4 stars; one submission).

Submission:

GeneDx
Classification: Uncertain significance. Last evaluated: 2022-02-15. Review status: criteria provided, single submitter. Criteria: GeneDx Variant Classification Process June 2021. Collection method: clinical testing. Allele origin: germline. Affected: yes.
Comment: Not observed at significant frequency in large population cohorts (gnomAD); Frameshift variant predicted to result in protein truncation as the last 87 amino acids are replaced with 29 different amino acids, although loss-of-function variants have not been reported downstream of this position in the protein; Has not been previously published as pathogenic or benign to our knowledge